The following is an entry in ClinVar:

ClinVar aggregate classification (germline): Pathogenic/Likely pathogenic. Review status: criteria provided, multiple submitters, no conflicts (2 of 4 stars). 2 submissions from 2 submitters: Pathogenic (1); Likely pathogenic (1). Last evaluated 2020-08-27.

Conditions:
Inborn genetic diseases. Identifiers: MedGen C0950123, MeSH D030342.

Submissions (2):

GeneDx
Classification: Likely pathogenic. Last evaluated: 2020-08-27. Review status: criteria provided, single submitter. Criteria: GeneDx Variant Classification Process June 2021. Collection method: clinical testing. Allele origin: germline. Affected: yes.
Comment: Frameshift variant predicted to result in protein truncation or nonsense mediated decay in a gene for which loss-of-function is a known mechanism of disease; Not observed in large population cohorts (Lek et al., 2016); Has not been previously published as pathogenic or benign to our knowledge

Ambry Genetics
Classification: Pathogenic for Inborn genetic diseases. Last evaluated: 2018-12-20. Review status: criteria provided, single submitter. Criteria: Ambry exome assertion method (8-5-2015). Collection method: clinical testing. Allele origin: germline. Affected: yes. Observed: 1 variant allele.

NM_021942.6(TRAPPC11):c.2567_2568del (p.Tyr856fs)

Gene: TRAPPC11 (trafficking protein particle complex subunit 11; plus strand). Cytogenetic location: 4q35.1.
Variant type: Microsatellite.
Coding change: c.2567_2568del on transcript NM_021942.6 (MANE Select); coding-DNA positions 2567 to 2568, 2 bases deleted (AT; older notation c.2567_2568delAT).
Protein change: p.Tyr856fs; shifts the reading frame from tyrosine 856.
Molecular consequence: frameshift variant.
Genome position (GRCh38, 1-based): chr4:183,694,662-183,694,663, AT deleted; deleting any 2 consecutive bases within chr4:183,694,659-183,694,663 gives the same sequence; the c. name uses the placement nearest the transcript's 3' end. VCF-style (leftmost placement, unchanged base first): chr4-183694658-GTA-G. GRCh37 (hg19) VCF-style: chr4-184615811-GTA-G.
Other names: c.2567_2568delAT (NM_021942.5); c.2567_2568del, p.Tyr856fs (NM_199053.3); short protein forms Y856fs.
Identifiers: ClinVar variation 817228 (VCV000817228.5), dbSNP rs1579207748, ClinGen allele CA645540475.
Genomic context (GRCh38, chr4:183,694,658, plus strand): 5'-TTACAGCTGGAAAAAATGTTGTATGTTCGCTGTGGAACAGTGGGTTCCAGAATGTTTCTT[GTA>G]TATGTTTCTTACCTGATAAATACAACCGTTGAAGAAAAAGAAATTGTTTGCAAGTGTCAC-3'